The following is an entry in ClinVar:

NM_001199138.2(NLRC4):c.632G>A (p.Gly211Glu)

Gene: NLRC4 (NLR family CARD domain containing 4; minus strand). Cytogenetic location: 2p22.3.
Variant type: single nucleotide variant.
Coding change: c.632G>A on transcript NM_001199138.2 (MANE Select); coding-DNA position 632, G replaced by A.
Protein change: p.Gly211Glu; replaces glycine 211 with glutamic acid.
Molecular consequence: missense variant. On other transcripts: intron variant (1).
Genome position (GRCh38, 1-based): chr2:32,251,232, C>T on the plus strand (G>A on the coding strand, the complement: NLRC4 is on the minus strand). VCF-style: chr2-32251232-C-T. GRCh37 (hg19) VCF-style: chr2-32476301-C-T.
Other names: p.Gly211Glu; c.632G>A, p.Gly211Glu (NM_001199139.2, NM_021209.5); c.262+1187G>A (NM_001302504.1); short protein forms G211E.
Identifiers: ClinVar variation 791711 (VCV000791711.18), dbSNP rs34577313, ClinGen allele CA1602105.

ClinVar aggregate classification (germline): Benign/Likely benign. Review status: criteria provided, multiple submitters, no conflicts (2 of 4 stars). 5 submissions from 5 submitters: Benign (2); Likely benign (3). Last evaluated 2026-01-19.

Conditions:
Familial cold autoinflammatory syndrome 4 (FCAS4). Identifiers: Orphanet 47045, Orphanet 576349, MedGen C4015276, MONDO:0014498, OMIM 616115.
Periodic fever-infantile enterocolitis-autoinflammatory syndrome. Also called: Autoinflammation with infantile enterocolitis. Identifiers: Orphanet 436166, MedGen C4015067, MONDO:0014472, OMIM 616050.
Autoinflammatory syndrome. Identifiers: Orphanet 93665, MedGen C3890737, MONDO:0019751.

Allele frequency attached by ClinVar (database versions not stated): gnomAD exomes 0.00027 and 0.00009; ExAC 0.00039; gnomAD 0.00140 and 0.00146; ESP Exome Variant Server 0.00185; 1000 Genomes Project 30x 0.00187; 1000 Genomes Project 0.00160; TOPMed 0.00136.

Submissions (6):

Labcorp Genetics (formerly Invitae), Labcorp
Classification: Benign for Periodic fever-infantile enterocolitis-autoinflammatory syndrome; Familial cold autoinflammatory syndrome 4. Last evaluated: 2026-01-19. Review status: criteria provided, single submitter. Criteria: Invitae Variant Classification Sherloc (09022015). Collection method: clinical testing. Allele origin: germline.

Women's Health and Genetics/Laboratory Corporation of America, LabCorp
Classification: Benign. Last evaluated: 2025-11-26. Review status: criteria provided, single submitter. Criteria: LabCorp Variant Classification Summary - May 2015. Collection method: clinical testing. Allele origin: germline.
Comment: Variant summary: NLRC4 c.632G>A (p.Gly211Glu) results in a non-conservative amino acid change in the encoded protein sequence. Algorithms developed to predict the effect of missense changes on protein structure and function are either unavailable or do not agree on the potential impact of this missense change. The variant allele was found at a frequency of 0.00027 in 251442 control chromosomes. The observed variant frequency exceeds the estimated maximal expected allele frequency for disease-causing variants in NLRC4. To our knowledge, no occurrence of c.632G>A in individuals affected with NLRC4-related conditions and no experimental evidence demonstrating its impact on protein function have been reported. ClinVar contains an entry for this variant (Variation ID: 791711). Based on the evidence outlined above, the variant was classified as benign.

Mayo Clinic Laboratories, Mayo Clinic
Classification: Likely benign. Last evaluated: 2025-07-21. Review status: criteria provided, single submitter. Criteria: ACMG Guidelines, 2015. Collection method: clinical testing. Allele origin: germline. Observed: 2 variant alleles.
Comment: BS1, BS2_supporting

Blueprint Genetics
Classification: Likely benign. Last evaluated: 2023-12-05. Review status: criteria provided, single submitter. Criteria: ACMG Guidelines, 2015. Collection method: clinical testing. Allele origin: germline.

Genome Diagnostics Laboratory, The Hospital for Sick Children
Classification: Likely benign for Autoinflammatory syndrome. Last evaluated: 2021-03-26. Review status: criteria provided, single submitter. Criteria: ACMG Guidelines, 2015. Collection method: clinical testing. Allele origin: germline. Affected: yes.

Dr. Peter K. Rogan Lab, Western University
No classification provided (evidence only). Condition: Clear cell carcinoma of kidney. Review status: no classification provided. Collection method: in vitro. Allele origin: not applicable. Functional consequence: retained intron. Not counted in ClinVar's aggregate classification.